The following is an entry in ClinVar:

NM_007327.4(GRIN1):c.1226T>A (p.Val409Glu)

Gene: GRIN1 (glutamate ionotropic receptor NMDA type subunit 1; plus strand). Cytogenetic location: 9q34.3.
Variant type: single nucleotide variant.
Coding change: c.1226T>A on transcript NM_007327.4 (MANE Select); coding-DNA position 1226, T replaced by A.
Protein change: p.Val409Glu; replaces valine 409 with glutamic acid.
Molecular consequence: missense variant.
Genome position (GRCh38, 1-based): chr9:137,161,084, T>A. VCF-style: chr9-137161084-T-A. GRCh37 (hg19) VCF-style: chr9-140055536-T-A.
Other names: c.1226T>A, p.Val409Glu (NM_000832.7, NM_021569.4); c.1289T>A, p.Val430Glu (NM_001185090.2, NM_001185091.2); short protein forms V409E, V430E.
Identifiers: ClinVar variation 4071744 (VCV004071744.2).

ClinVar aggregate classification (germline): Uncertain significance (1 of 4 stars; one submission).

Submission:

GeneDx
Classification: Uncertain significance. Last evaluated: 2026-05-13. Review status: criteria provided, single submitter. Criteria: GeneDx Variant Classification Process June 2021. Collection method: clinical testing. Allele origin: germline.
Comment: Not observed at significant frequency in large population cohorts (gnomAD); In silico analysis supports that this missense variant has a deleterious effect on protein structure/function; Has not been previously published as pathogenic or benign to our knowledge